The following is an entry in ClinVar:

ClinVar aggregate classification (germline): Pathogenic. Review status: criteria provided, single submitter (1 of 4 stars). 2 submissions from 2 submitters: Pathogenic (1). 1 of the submissions does not count toward it. Last evaluated 2025-02-03.

Conditions:
Primary ciliary dyskinesia. Also called: Ciliary dyskinesia. Identifiers: Orphanet 244, MedGen C0008780, MONDO:0016575, HP:0012265.

Allele frequency attached by ClinVar (database versions not stated): gnomAD exomes below 0.00001 and 0.00001; TOPMed below 0.00001; gnomAD 0.00001; ExAC 0.00002; ESP Exome Variant Server 0.00008.
gnomAD v4.1: 11 of 1,613,958 alleles (0.00068%); highest among the groups gnomAD compares: East Asian, 0.0022%; no homozygotes.

Submissions (2):

Labcorp Genetics (formerly Invitae), Labcorp
Classification: Pathogenic for Primary ciliary dyskinesia. Last evaluated: 2025-02-03. Review status: criteria provided, single submitter. Criteria: Invitae Variant Classification Sherloc (09022015). Collection method: clinical testing. Allele origin: germline.
Comment: This sequence change replaces arginine, which is basic and polar, with tryptophan, which is neutral and slightly polar, at codon 1716 of the DNAH5 protein (p.Arg1716Trp). This variant is present in population databases (rs368644722, gnomAD 0.003%). This missense change has been observed in individual(s) with primary ciliary dykinesia (PMID: 19357118; internal data). ClinVar contains an entry for this variant (Variation ID: 454781). Invitae Evidence Modeling of protein sequence and biophysical properties (such as structural, functional, and spatial information, amino acid conservation, physicochemical variation, residue mobility, and thermodynamic stability) indicates that this missense variant is expected to disrupt DNAH5 protein function with a positive predictive value of 95%. This variant disrupts the p.Arg1716 amino acid residue in DNAH5. Other variant(s) that disrupt this residue have been determined to be pathogenic (PMID: 16627867, 30067075). This suggests that this residue is clinically significant, and that variants that disrupt this residue are likely to be disease-causing. For these reasons, this variant has been classified as Pathogenic.

Natera, Inc.
Classification: Uncertain significance for Primary ciliary dyskinesia. Last evaluated: 2020-09-16. Review status: no assertion criteria provided. Collection method: clinical testing. Allele origin: germline. Not counted in ClinVar's aggregate classification.

Literature cited by the submitters: PubMed 19357118 (cited by Labcorp Genetics (formerly Invitae), Labcorp); PubMed 16627867 (cited by Labcorp Genetics (formerly Invitae), Labcorp); PubMed 30067075 (cited by Labcorp Genetics (formerly Invitae), Labcorp).

NM_001369.3(DNAH5):c.5146C>T (p.Arg1716Trp)

Gene: DNAH5 (dynein axonemal heavy chain 5; minus strand). Cytogenetic location: 5p15.2.
Variant type: single nucleotide variant.
Coding change: c.5146C>T on transcript NM_001369.3 (MANE Select); coding-DNA position 5146, C replaced by T.
Protein change: p.Arg1716Trp; replaces arginine 1716 with tryptophan.
Molecular consequence: missense variant.
Genome position (GRCh38, 1-based): chr5:13,844,962, G>A on the plus strand (C>T on the coding strand, the complement: DNAH5 is on the minus strand). VCF-style: chr5-13844962-G-A. GRCh37 (hg19) VCF-style: chr5-13845071-G-A.
Other names: short protein forms R1716W.
Identifiers: ClinVar variation 454781 (VCV000454781.10), dbSNP rs368644722, ClinGen allele CA3203776.